The following is an entry in ClinVar:

ClinVar aggregate classification (germline): Uncertain significance (1 of 4 stars; one submission).

Allele frequency attached by ClinVar (database versions not stated): gnomAD exomes below 0.00001.
gnomAD v4.1: 1 of 1,562,868 alleles (0.000064%); highest among the groups gnomAD compares: Non-Finnish European, 0.000087%; no homozygotes.

Submission:

Labcorp Genetics (formerly Invitae), Labcorp
Classification: Uncertain significance. Last evaluated: 2021-12-13. Review status: criteria provided, single submitter. Criteria: Invitae Variant Classification Sherloc (09022015). Collection method: clinical testing. Allele origin: germline.
Comment: This sequence change replaces glycine, which is neutral and non-polar, with aspartic acid, which is acidic and polar, at codon 751 of the COL18A1 protein (p.Gly751Asp). This variant is not present in population databases (gnomAD no frequency). This variant has not been reported in the literature in individuals affected with COL18A1-related conditions. Experimental studies and prediction algorithms are not available or were not evaluated, and the functional significance of this variant is currently unknown. In summary, the available evidence is currently insufficient to determine the role of this variant in disease. Therefore, it has been classified as a Variant of Uncertain Significance.

NM_001379500.1(COL18A1):c.2252G>A (p.Gly751Asp)

Gene: COL18A1 (collagen type XVIII alpha 1 chain; plus strand). Cytogenetic location: 21q22.3.
Variant type: single nucleotide variant.
Coding change: c.2252G>A on transcript NM_001379500.1 (MANE Select); coding-DNA position 2252, G replaced by A.
Protein change: p.Gly751Asp; replaces glycine 751 with aspartic acid.
Molecular consequence: missense variant.
Genome position (GRCh38, 1-based): chr21:45,493,200, G>A. VCF-style: chr21-45493200-G-A. GRCh37 (hg19) VCF-style: chr21-46913114-G-A.
Other names: c.2792G>A, p.Gly931Asp (NM_030582.4); c.3497G>A, p.Gly1166Asp (NM_130444.3); short protein forms G931D, G1166D, G751D.
Identifiers: ClinVar variation 1424595 (VCV001424595.3), dbSNP rs2145993719, ClinGen allele CA410497317.